The following is an entry in ClinVar:

NM_006231.4(POLE):c.6424G>T (p.Ala2142Ser)

Gene: POLE (DNA polymerase epsilon, catalytic subunit; minus strand). Cytogenetic location: 12q24.33.
Variant type: single nucleotide variant.
Coding change: c.6424G>T on transcript NM_006231.4 (MANE Select); coding-DNA position 6424, G replaced by T.
Protein change: p.Ala2142Ser; replaces alanine 2142 with serine.
Molecular consequence: missense variant.
Genome position (GRCh38, 1-based): chr12:132,626,224, C>A on the plus strand (G>T on the coding strand, the complement: POLE is on the minus strand). VCF-style: chr12-132626224-C-A. GRCh37 (hg19) VCF-style: chr12-133202810-C-A.
Other names: short protein forms A2142S.
Identifiers: ClinVar variation 3935743 (VCV003935743.1).
Genomic context (GRCh38, chr12:132,626,224, plus strand): 5'-TACAGCTGCGGCAGATGACCTCAGGAAGCACGTAGGAGCGGCAGGGGTCTCGGAACTGGG[C>A]CTCCTCGGAGAACTCGCCGACATCCACCAGGCGAAGCAGGTCTCGGTTCAGCTTATTCAC-3'
Protein context (NP_006222.2, residues 2132-2152): LVDVGEFSEE[Ala2142Ser]QFRDPCRSYV

ClinVar aggregate classification (germline): Uncertain significance (1 of 4 stars; one submission).

Conditions:
Hereditary cancer-predisposing syndrome. Also called: Tumor predisposition; Hereditary neoplastic syndrome; Hereditary Cancer Syndrome; Neoplastic Syndromes, Hereditary. Identifiers: Orphanet 140162, MedGen C0027672, MeSH D009386, MONDO:0015356.

Submission:

Ambry Genetics
Classification: Uncertain significance for Hereditary cancer-predisposing syndrome. Last evaluated: 2025-04-23. Review status: criteria provided, single submitter. Criteria: Ambry Variant Classification Scheme 2023. Collection method: clinical testing. Allele origin: germline.
Comment: The p.A2142S variant (also known as c.6424G>T), located in coding exon 46 of the POLE gene, results from a G to T substitution at nucleotide position 6424. The alanine at codon 2142 is replaced by serine, an amino acid with similar properties. This amino acid position is conserved. In addition, this alteration is predicted to be tolerated by in silico analysis. Based on the available evidence, the clinical significance of this variant remains unclear.